The following is an entry in ClinVar:

ClinVar aggregate classification (germline): Uncertain significance. Review status: criteria provided, multiple submitters, no conflicts (2 of 4 stars). 3 submissions from 3 submitters: Uncertain significance (3). Last evaluated 2024-08-05.

Conditions:
Baller-Gerold syndrome (BGS). Also called: CRANIOSYNOSTOSIS WITH RADIAL DEFECTS. Identifiers: Orphanet 1225, MedGen C0265308, MONDO:0009039, OMIM 218600.

Allele frequency attached by ClinVar (database versions not stated): gnomAD 0.00001; TOPMed 0.00001.

Submissions (3):

Labcorp Genetics (formerly Invitae), Labcorp
Classification: Uncertain significance for Baller-Gerold syndrome. Last evaluated: 2024-08-05. Review status: criteria provided, single submitter. Criteria: Invitae Variant Classification Sherloc (09022015). Collection method: clinical testing. Allele origin: germline.
Comment: This sequence change replaces proline, which is neutral and non-polar, with serine, which is neutral and polar, at codon 873 of the RECQL4 protein (p.Pro873Ser). This variant is not present in population databases (gnomAD no frequency). This variant has not been reported in the literature in individuals affected with RECQL4-related conditions. ClinVar contains an entry for this variant (Variation ID: 642116). Experimental studies and prediction algorithms are not available or were not evaluated, and the functional significance of this variant is currently unknown. Algorithms developed to predict the effect of sequence changes on RNA splicing suggest that this variant may create or strengthen a splice site. In summary, the available evidence is currently insufficient to determine the role of this variant in disease. Therefore, it has been classified as a Variant of Uncertain Significance.

Blueprint Genetics
Classification: Uncertain significance. Last evaluated: 2023-06-13. Review status: criteria provided, single submitter. Criteria: ACMG Guidelines, 2015. Collection method: clinical testing. Allele origin: germline.

Breakthrough Genomics
Classification: Uncertain significance. Review status: criteria provided, single submitter. Criteria: ACMG Guidelines, 2015. Collection method: not provided. Allele origin: germline. Inheritance: Autosomal recessive inheritance. Affected: yes.

NM_004260.4(RECQL4):c.2617C>T (p.Pro873Ser)

Gene: RECQL4 (RecQ like helicase 4; minus strand). Cytogenetic location: 8q24.3.
Variant type: single nucleotide variant.
Coding change: c.2617C>T on transcript NM_004260.4 (MANE Select); coding-DNA position 2617, C replaced by T.
Protein change: p.Pro873Ser; replaces proline 873 with serine.
Molecular consequence: missense variant.
Genome position (GRCh38, 1-based): chr8:144,512,985, G>A on the plus strand (C>T on the coding strand, the complement: RECQL4 is on the minus strand). VCF-style: chr8-144512985-G-A. GRCh37 (hg19) VCF-style: chr8-145738368-G-A.
Other names: short protein forms P873S.
Identifiers: ClinVar variation 642116 (VCV000642116.11), dbSNP rs751230101, ClinGen allele CA372676834.